The following is an entry in ClinVar:

ClinVar aggregate classification (germline): Uncertain significance (1 of 4 stars; one submission).

Conditions:
COL4A3-related disorder. Also called: COL4A3-related condition; COL4A3-Related Disorders.

Submission:

PreventionGenetics, part of Exact Sciences
Classification: Uncertain significance for COL4A3-related condition. Last evaluated: 2023-07-12. Review status: criteria provided, single submitter. Criteria: ACMG Guidelines, 2015. Collection method: clinical testing. Allele origin: germline.
Comment: The COL4A3 c.4396C>A variant is predicted to result in the amino acid substitution p.Pro1466Thr. To our knowledge, this variant has not been reported in the literature or in a large population database, indicating this variant is rare. At this time, the clinical significance of this variant is uncertain due to the absence of conclusive functional and genetic evidence.

NM_000091.5(COL4A3):c.4396C>A (p.Pro1466Thr)

Genes: COL4A3 (collagen type IV alpha 3 chain; plus strand), MFF-DT (MFF divergent transcript; minus strand). Cytogenetic location: 2q36.3.
Variant type: single nucleotide variant.
Coding change: c.4396C>A on transcript NM_000091.5 (MANE Select); coding-DNA position 4396, C replaced by A.
Protein change: p.Pro1466Thr; replaces proline 1466 with threonine.
Molecular consequence: missense variant.
Genome position (GRCh38, 1-based): chr2:227,307,853, C>A. VCF-style: chr2-227307853-C-A. GRCh37 (hg19) VCF-style: chr2-228172569-C-A.
Other names: short protein forms P1466T.
Identifiers: ClinVar variation 2631341 (VCV002631341.1), dbSNP rs2469931691, ClinGen allele CA350864394.
Genomic context (GRCh38, chr2:227,307,853, plus strand): 5'-TTTGTCTTCACCCGACACAGTCAAACCACAGCAATTCCTTCATGTCCAGAGGGGACAGTG[C>A]CACTCTACAGTGGGTTTTCTTTTCTTTTTGTACAAGGAAATCAACGAGCCCACGGACAAG-3'
Protein context (NP_000082.2, residues 1456-1476): AIPSCPEGTV[Pro1466Thr]LYSGFSFLFV